The following is an entry in ClinVar:

NM_001197104.2(KMT2A):c.5456del (p.Gln1819fs)

Gene: KMT2A (lysine methyltransferase 2A; plus strand). Cytogenetic location: 11q23.3.
Variant type: Deletion.
Coding change: c.5456del on transcript NM_001197104.2 (MANE Select); coding-DNA position 5456, one base deleted (A; older notation c.5456delA).
Protein change: p.Gln1819fs; shifts the reading frame from glutamine 1819.
Molecular consequence: frameshift variant.
Genome position (GRCh38, 1-based): chr11:118,495,792, A deleted. VCF-style (leftmost placement, unchanged base first): chr11-118495791-CA-C. GRCh37 (hg19) VCF-style: chr11-118366506-CA-C.
Other names: c.5546del, p.Gln1849fs (NM_001412597.1); c.5447del, p.Gln1816fs (NM_005933.4); short protein forms Q1816fs, Q1819fs, Q1849fs.
Identifiers: ClinVar variation 4854615 (VCV004854615.1).

ClinVar aggregate classification (germline): Likely pathogenic (1 of 4 stars; one submission).

Conditions:
Wiedemann-Steiner syndrome (WDSTS). Also called: Growth deficiency and mental retardation with facial dysmorphism. Identifiers: Orphanet 319182, MedGen C1854630, MONDO:0011518, OMIM 605130.

Submission:

3billion
Classification: Likely pathogenic for Wiedemann-Steiner syndrome. Last evaluated: 2025-06-25. Review status: criteria provided, single submitter. Criteria: ACMG Guidelines, 2015. Collection method: clinical testing. Allele origin: germline. Affected: yes.
Comment: The variant is not observed in the gnomAD v4.1.0 dataset. Predicted Consequence/Location: Frameshift: predicted to result in a loss or disruption of normal protein function through nonsense-mediated decay (NMD) or protein truncation. Multiple pathogenic variants are reported downstream of the variant. Therefore, this variant is classified as Likely pathogenic according to the recommendation of ACMG/AMP guideline.